The following is an entry in ClinVar:

ClinVar aggregate classification (germline): Uncertain significance (1 of 4 stars; one submission).

Submission:

Labcorp Genetics (formerly Invitae), Labcorp
Classification: Uncertain significance. Last evaluated: 2025-10-26. Review status: criteria provided, single submitter. Criteria: Invitae Variant Classification Sherloc (09022015). Collection method: clinical testing. Allele origin: germline.
Comment: This sequence change replaces asparagine, which is neutral and polar, with isoleucine, which is neutral and non-polar, at codon 1888 of the PLXNA2 protein (p.Asn1888Ile). This variant is not present in population databases (gnomAD no frequency). This variant has not been reported in the literature in individuals affected with PLXNA2-related conditions. Invitae Evidence Modeling of protein sequence and biophysical properties (such as structural, functional, and spatial information, amino acid conservation, physicochemical variation, residue mobility, and thermodynamic stability) indicates that this missense variant is not expected to disrupt PLXNA2 protein function with a negative predictive value of 80%. In summary, the available evidence is currently insufficient to determine the role of this variant in disease. Therefore, it has been classified as a Variant of Uncertain Significance.

NM_025179.4(PLXNA2):c.5663A>T (p.Asn1888Ile)

Gene: PLXNA2 (plexin A2; minus strand). Cytogenetic location: 1q32.2.
Variant type: single nucleotide variant.
Coding change: c.5663A>T on transcript NM_025179.4 (MANE Select); coding-DNA position 5663, A replaced by T.
Protein change: p.Asn1888Ile; replaces asparagine 1888 with isoleucine.
Molecular consequence: missense variant.
Genome position (GRCh38, 1-based): chr1:208,027,265, T>A on the plus strand (A>T on the coding strand, the complement: PLXNA2 is on the minus strand). VCF-style: chr1-208027265-T-A. GRCh37 (hg19) VCF-style: chr1-208200610-T-A.
Other names: short protein forms N1888I.
Identifiers: ClinVar variation 4750821 (VCV004750821.1).